The following is an entry in ClinVar:

ClinVar aggregate classification (germline): Uncertain significance (1 of 4 stars; one submission).

Allele frequency attached by ClinVar (database versions not stated): ESP Exome Variant Server 0.00008.
gnomAD v4.1: 21 of 1,612,902 alleles (0.0013%); highest among the groups gnomAD compares: Middle Eastern, 0.017%; no homozygotes.

Submission:

Labcorp Genetics (formerly Invitae), Labcorp
Classification: Uncertain significance. Last evaluated: 2025-01-21. Review status: criteria provided, single submitter. Criteria: Invitae Variant Classification Sherloc (09022015). Collection method: clinical testing. Allele origin: germline.
Comment: This sequence change replaces valine, which is neutral and non-polar, with methionine, which is neutral and non-polar, at codon 372 of the TONSL protein (p.Val372Met). This variant is present in population databases (rs149456513, gnomAD 0.0009%). This variant has not been reported in the literature in individuals affected with TONSL-related conditions. ClinVar contains an entry for this variant (Variation ID: 2054179). Invitae Evidence Modeling of protein sequence and biophysical properties (such as structural, functional, and spatial information, amino acid conservation, physicochemical variation, residue mobility, and thermodynamic stability) indicates that this missense variant is expected to disrupt TONSL protein function with a positive predictive value of 80%. In summary, the available evidence is currently insufficient to determine the role of this variant in disease. Therefore, it has been classified as a Variant of Uncertain Significance.

NM_013432.5(TONSL):c.1114G>A (p.Val372Met)

Gene: TONSL (tonsoku like, DNA repair protein; minus strand). Cytogenetic location: 8q24.3.
Variant type: single nucleotide variant.
Coding change: c.1114G>A on transcript NM_013432.5 (MANE Select); coding-DNA position 1114, G replaced by A.
Protein change: p.Val372Met; replaces valine 372 with methionine.
Molecular consequence: missense variant.
Genome position (GRCh38, 1-based): chr8:144,440,768, C>T on the plus strand (G>A on the coding strand, the complement: TONSL is on the minus strand). VCF-style: chr8-144440768-C-T. GRCh37 (hg19) VCF-style: chr8-145666151-C-T.
Other names: short protein forms V372M.
Identifiers: ClinVar variation 2054179 (VCV002054179.3), dbSNP rs149456513, ClinGen allele CA187674936.